The following is an entry in ClinVar:

ClinVar aggregate classification (germline): Uncertain significance (1 of 4 stars; one submission).

Allele frequency attached by ClinVar (database versions not stated): TOPMed 0.00009; gnomAD 0.00008; 1000 Genomes Project 0.00020; 1000 Genomes Project 30x 0.00016.
gnomAD v4.1: 20 of 1,611,760 alleles (0.0012%); highest among the groups gnomAD compares: African/African-American, 0.025%; no homozygotes.

Submission:

Labcorp Genetics (formerly Invitae), Labcorp
Classification: Uncertain significance. Last evaluated: 2025-03-05. Review status: criteria provided, single submitter. Criteria: Invitae Variant Classification Sherloc (09022015). Collection method: clinical testing. Allele origin: germline.
Comment: This sequence change replaces aspartic acid, which is acidic and polar, with glutamic acid, which is acidic and polar, at codon 196 of the CD81 protein (p.Asp196Glu). This variant is present in population databases (rs148404749, gnomAD 0.02%). This variant has not been reported in the literature in individuals affected with CD81-related conditions. ClinVar contains an entry for this variant (Variation ID: 2721553). An algorithm developed to predict the effect of missense changes on protein structure and function outputs the following: PolyPhen-2: "Benign". The glutamic acid amino acid residue is found in multiple mammalian species, which suggests that this missense change does not adversely affect protein function. In summary, the available evidence is currently insufficient to determine the role of this variant in disease. Therefore, it has been classified as a Variant of Uncertain Significance.

NM_004356.4(CD81):c.588C>A (p.Asp196Glu)

Gene: CD81 (CD81 molecule; plus strand). Cytogenetic location: 11p15.5.
Variant type: single nucleotide variant.
Coding change: c.588C>A on transcript NM_004356.4 (MANE Select); coding-DNA position 588, C replaced by A.
Protein change: p.Asp196Glu; replaces aspartic acid 196 with glutamic acid.
Molecular consequence: missense variant.
Genome position (GRCh38, 1-based): chr11:2,396,654, C>A. VCF-style: chr11-2396654-C-A. GRCh37 (hg19) VCF-style: chr11-2417884-C-A.
Other names: c.375C>A, p.Asp125Glu (NM_001297649.2, NM_001425129.1, NM_001425130.1 and 3 more transcripts); c.711C>A, p.Asp237Glu (NM_001425135.1); c.585C>A, p.Asp195Glu (NM_001425137.1); c.372C>A, p.Asp124Glu (NM_001425138.1); short protein forms D125E, D124E, D196E, D195E, D237E.
Identifiers: ClinVar variation 2721553 (VCV002721553.3), dbSNP rs148404749, ClinGen allele CA5820115.